The following is an entry in ClinVar:

NM_001127511.3(APC):c.-56G>A

Gene: APC (APC regulator of Wnt signaling pathway; plus strand). Cytogenetic location: 5q22.2.
Variant type: single nucleotide variant.
Coding change: c.-56G>A on transcript NM_001127511.3; 56 bases upstream of the start codon, G replaced by A.
Molecular consequence: 5 prime UTR variant. On other transcripts: non-coding transcript variant (1), intron variant (5).
Genome position (GRCh38, 1-based): chr5:112,707,662, G>A. VCF-style: chr5-112707662-G-A. GRCh37 (hg19) VCF-style: chr5-112043359-G-A.
Other names: c.-239G>A (NM_001354895.2, NM_001407447.1, NM_001407452.1 and 3 more transcripts); c.-56G>A (NM_001354897.2, NM_001354902.2, NM_001407446.1); c.-1274G>A (NM_001407470.1, NM_001407472.1); c.-19+13G>A (NM_001407448.1, NM_001407450.1, NM_001407457.1 and 1 more transcripts); c.-43+13G>A (NM_001407453.1).
Identifiers: ClinVar variation 1970898 (VCV001970898.5), dbSNP rs1056514423, ClinGen allele CA2580072315.

ClinVar aggregate classification (germline): Uncertain significance (1 of 4 stars; one submission).

Conditions:
Familial adenomatous polyposis 1 (FAP1). Also called: FAMILIAL ADENOMATOUS POLYPOSIS 1, ATTENUATED; POLYPOSIS, ADENOMATOUS INTESTINAL. Identifiers: MedGen C2713442, MONDO:0021056, OMIM 175100. Disease mechanism: loss of function.

Submission:

Labcorp Genetics (formerly Invitae), Labcorp
Classification: Uncertain significance for Familial adenomatous polyposis 1. Last evaluated: 2024-06-30. Review status: criteria provided, single submitter. Criteria: Invitae Variant Classification Sherloc (09022015). Collection method: clinical testing. Allele origin: germline.
Comment: This variant occurs in a non-coding region of the APC gene. It does not change the encoded amino acid sequence of the APC protein. This variant is not present in population databases (gnomAD no frequency). This variant has not been reported in the literature in individuals affected with APC-related conditions. Experimental studies and prediction algorithms are not available or were not evaluated, and the functional significance of this variant is currently unknown. In summary, the available evidence is currently insufficient to determine the role of this variant in disease. Therefore, it has been classified as a Variant of Uncertain Significance.